The following is an entry in ClinVar:

NM_003718.5(CDK13):c.2564A>G (p.Asp855Gly)

Gene: CDK13 (cyclin dependent kinase 13; plus strand). Cytogenetic location: 7p14.1.
Variant type: single nucleotide variant.
Coding change: c.2564A>G on transcript NM_003718.5 (MANE Select); coding-DNA position 2564, A replaced by G.
Protein change: p.Asp855Gly; replaces aspartic acid 855 with glycine.
Molecular consequence: missense variant.
Genome position (GRCh38, 1-based): chr7:40,047,841, A>G. VCF-style: chr7-40047841-A-G. GRCh37 (hg19) VCF-style: chr7-40087440-A-G.
Other names: c.2564A>G, p.Asp855Gly (NM_031267.4); short protein forms D855G.
Identifiers: ClinVar variation 4685510 (VCV004685510.1).
Genomic context (GRCh38, chr7:40,047,841, plus strand): 5'-AAATTAATACCTTTTGTTCATTTTGTCTTATTTCCACCAGAGGGCAGATAAAACTTGCAG[A>G]CTTTGGACTTGCTCGATTGTATAGCTCAGAAGAAAGGTAAGCATACCTTCAAATGAATAT-3'
Protein context (NP_003709.3, residues 845-865): LNNRGQIKLA[Asp855Gly]FGLARLYSSE

ClinVar aggregate classification (germline): Pathogenic (1 of 4 stars; one submission).

Conditions:
Congenital heart defects, dysmorphic facial features, and intellectual developmental disorder (CHDFIDD). Identifiers: Orphanet 646278, MedGen C4479246, MONDO:0044302, OMIM 617360.

Submission:

Imagene.me medical diagnostic laboratory, IMAGENE.ME SA
Classification: Pathogenic for Congenital heart defects, dysmorphic facial features, and intellectual developmental disorder. Review status: criteria provided, single submitter. Criteria: IMAGENE.ME Variant Classification SOP 2022. Collection method: clinical testing. Allele origin: de novo. Affected: yes.
Comment: Classified according to the IMAGENE.ME variant classification SOP based on the ACMG guidelines as Pathogenic (P): PS2 + PP3_Strong + PM2 + PM5_Supporting + PP2 + PP4